The following is an entry in ClinVar:

NM_012414.4(RAB3GAP2):c.713-2A>C

Gene: RAB3GAP2 (RAB3 GTPase activating non-catalytic protein subunit 2; minus strand). Cytogenetic location: 1q41.
Variant type: single nucleotide variant.
Coding change: c.713-2A>C on transcript NM_012414.4 (MANE Select); the canonical splice acceptor site of the intron before coding-DNA position 713, A replaced by C.
Molecular consequence: splice acceptor variant.
Genome position (GRCh38, 1-based): chr1:220,202,376, T>G on the plus strand (A>C on the coding strand, the complement: RAB3GAP2 is on the minus strand). VCF-style: chr1-220202376-T-G. GRCh37 (hg19) VCF-style: chr1-220375718-T-G.
Identifiers: ClinVar variation 2432913 (VCV002432913.5), dbSNP rs797045103, ClinGen allele CA344729970.

ClinVar aggregate classification (germline): Likely pathogenic. Review status: criteria provided, multiple submitters, no conflicts (2 of 4 stars). 2 submissions from 2 submitters: Likely pathogenic (2). Last evaluated 2025-12-30.

Conditions:
Warburg micro syndrome 2 (WARBM2). Also called: MICRO SYNDROME 2. Identifiers: Orphanet 2510, MedGen C3280214, MONDO:0013641, OMIM 614225.

gnomAD v4.1: 1 of 1,611,872 alleles (0.000062%); highest among the groups gnomAD compares: Middle Eastern, 0.017%; no homozygotes.

Submissions (2):

3billion
Classification: Likely pathogenic for Warburg micro syndrome 2. Last evaluated: 2025-12-30. Review status: criteria provided, single submitter. Criteria: ACMG Guidelines, 2015. Collection method: clinical testing. Allele origin: germline. Affected: yes.
Comment: The variant is observed at an extremely low frequency in the gnomAD v4.1.0 dataset (total allele frequency: <0.001%). Predicted Consequence/Location: Canonical splice site: predicted to alter splicing and result in a loss or disruption of normal protein function. Multiple pathogenic loss-of-function variants are reported downstream of the variant. In silico tools predict the variant to alter splicing and produce an abnormal transcript [SpliceAI: 0.99 (spliceogenicity >=0.2, non-spliceogenicity <0.1)]. The variant has been reported at least twice as pathogenic without evidence for the classification (ClinVar ID: VCV002432913 /3billion dataset). Therefore, this variant is classified as Likely pathogenic according to the recommendation of ACMG/AMP guideline.

Revvity Omics, Revvity
Classification: Likely pathogenic. Last evaluated: 2022-03-08. Review status: criteria provided, single submitter. Criteria: ACMG Guidelines, 2015. Collection method: clinical testing. Allele origin: germline.